The following is an entry in ClinVar:

NM_001378328.1(CELSR1):c.1210G>C (p.Glu404Gln)

Gene: CELSR1 (cadherin EGF LAG seven-pass G-type receptor 1; minus strand). Cytogenetic location: 22q13.31.
Variant type: single nucleotide variant.
Coding change: c.1210G>C on transcript NM_001378328.1 (MANE Select); coding-DNA position 1210, G replaced by C.
Protein change: p.Glu404Gln; replaces glutamic acid 404 with glutamine.
Molecular consequence: missense variant.
Genome position (GRCh38, 1-based): chr22:46,535,961, C>G on the plus strand (G>C on the coding strand, the complement: CELSR1 is on the minus strand). VCF-style: chr22-46535961-C-G. GRCh37 (hg19) VCF-style: chr22-46931858-C-G.
Other names: c.1210G>C, p.Glu404Gln (NM_014246.4); short protein forms E404Q.
Identifiers: ClinVar variation 2502464 (VCV002502464.1), dbSNP rs201107590, ClinGen allele CA411950531.
Genomic context (GRCh38, chr22:46,535,961, plus strand): 5'-GGTACTCGGCCGCCTCCTCCCGGTCCAGCACCGCCCGTGTGCTCACCACGCCAGAGCTCT[C>G]GTTGAGCTGGAAGACGTCCCACGCGCCCCCCAACACGCGGTAACGCAAGTTGGCGTTGAT-3'
Protein context (NP_001365257.1, residues 394-414): GGAWDVFQLN[Glu404Gln]SSGVVSTRAV

ClinVar aggregate classification (germline): Uncertain significance (1 of 4 stars; one submission).

Submission:

GeneDx
Classification: Uncertain significance. Last evaluated: 2022-11-17. Review status: criteria provided, single submitter. Criteria: GeneDx Variant Classification Process June 2021. Collection method: clinical testing. Allele origin: germline. Affected: yes.
Comment: Not observed at significant frequency in large population cohorts (gnomAD); In silico analysis supports that this missense variant does not alter protein structure/function; Has not been previously published as pathogenic or benign to our knowledge